The following is an entry in ClinVar:

ClinVar aggregate classification (germline): Uncertain significance (1 of 4 stars; one submission).

Conditions:
Neuronal ceroid lipofuscinosis. Also called: Neuronal Ceroid Lipofuscinoses. Identifiers: Orphanet 216, Orphanet 79263, MedGen C0027877, MONDO:0016295. Disease mechanism: loss of function.

Submission:

Labcorp Genetics (formerly Invitae), Labcorp
Classification: Uncertain significance for Neuronal ceroid lipofuscinosis. Last evaluated: 2022-06-04. Review status: criteria provided, single submitter. Criteria: Invitae Variant Classification Sherloc (09022015). Collection method: clinical testing. Allele origin: germline.
Comment: This variant, c.908_913del, results in the deletion of 2 amino acid(s) of the CTSD protein (p.Gly303_Pro304del), but otherwise preserves the integrity of the reading frame. This variant is not present in population databases (gnomAD no frequency). This variant has not been reported in the literature in individuals affected with CTSD-related conditions. Experimental studies and prediction algorithms are not available or were not evaluated, and the functional significance of this variant is currently unknown. In summary, the available evidence is currently insufficient to determine the role of this variant in disease. Therefore, it has been classified as a Variant of Uncertain Significance.

NM_001909.5(CTSD):c.908_913del (p.Gly303_Pro304del)

Gene: CTSD (cathepsin D; minus strand). Cytogenetic location: 11p15.5.
Variant type: Deletion.
Coding change: c.908_913del on transcript NM_001909.5 (MANE Select); coding-DNA positions 908 to 913, 6 bases deleted (GCCCGG; older notation c.908_913delGCCCGG).
Protein change: p.Gly303_Pro304del.
Molecular consequence: inframe deletion.
Genome position (GRCh38, 1-based): chr11:1,754,053-1,754,058, CCGGGC deleted on the plus strand (GCCCGG on the coding strand, the reverse complement: CTSD is on the minus strand); deleting any 6 consecutive bases within chr11:1,754,053-1,754,060 gives the same sequence; the c. name uses the placement nearest the transcript's 3' end. VCF-style (leftmost placement, unchanged base first): chr11-1754052-ACCGGGC-A. GRCh37 (hg19) VCF-style: chr11-1775282-ACCGGGC-A.
Identifiers: ClinVar variation 2002434 (VCV002002434.4), dbSNP rs2493816979, ClinGen allele CA2580082673.
Genomic context (GRCh38, chr11:1,754,052, plus strand): 5'-ACCTCGCCCTGAATCAGCGGCACGGCCCCGATGGCCTTCTGCAGCTCGCGCACCTCATCC[ACCGGGC>A]CCACCATGAGGGAAGTGCCTGTGTCCACAATGGCCTCACAGCCCTCCTTGCACAGGGTCA-3'